The following is an entry in ClinVar:

NM_003803.4(MYOM1):c.1501+6T>A

Gene: MYOM1 (myomesin 1; minus strand). Cytogenetic location: 18p11.31.
Variant type: single nucleotide variant.
Coding change: c.1501+6T>A on transcript NM_003803.4 (MANE Select); 6 bases into the intron after coding-DNA position 1501, T replaced by A.
Molecular consequence: intron variant.
Genome position (GRCh38, 1-based): chr18:3,164,272, A>T on the plus strand (T>A on the coding strand, the complement: MYOM1 is on the minus strand). VCF-style: chr18-3164272-A-T. GRCh37 (hg19) VCF-style: chr18-3164270-A-T.
Other names: c.1501+6T>A (NM_019856.2).
Identifiers: ClinVar variation 2196401 (VCV002196401.4), dbSNP rs1007362392, ClinGen allele CA295503752.
Genomic context (GRCh38, chr18:3,164,272, plus strand): 5'-TCAAAAACTGCTTTGGCTTCAGTGTACTAAATATTGTTAGGTGTTTTGTTTTTTGCTAGG[A>T]CTTACCTCGAACAAAGACATAAGCACTATATTGTTCATAATATTCTCCCATCCGTACACG-3'

ClinVar aggregate classification (germline): Uncertain significance (1 of 4 stars; one submission).

Conditions:
Hypertrophic cardiomyopathy. Also called: HYPERTROPHIC MYOCARDIOPATHY. Identifiers: Orphanet 217569, MedGen C0007194, MeSH D002312, MONDO:0005045, HP:0001639.

Allele frequency attached by ClinVar (database versions not stated): TOPMed below 0.00001.
gnomAD v4.1: 1 of 1,611,780 alleles (0.000062%); no homozygotes.

Submission:

Labcorp Genetics (formerly Invitae), Labcorp
Classification: Uncertain significance for Hypertrophic cardiomyopathy. Last evaluated: 2024-07-01. Review status: criteria provided, single submitter. Criteria: Invitae Variant Classification Sherloc (09022015). Collection method: clinical testing. Allele origin: germline.
Comment: This sequence change falls in intron 10 of the MYOM1 gene. It does not directly change the encoded amino acid sequence of the MYOM1 protein. It affects a nucleotide within the consensus splice site. This variant is not present in population databases (gnomAD no frequency). This variant has not been reported in the literature in individuals affected with MYOM1-related conditions. ClinVar contains an entry for this variant (Variation ID: 2196401). Variants that disrupt the consensus splice site are a relatively common cause of aberrant splicing (PMID: 17576681, 9536098). Algorithms developed to predict the effect of sequence changes on RNA splicing suggest that this variant is not likely to affect RNA splicing. In summary, the available evidence is currently insufficient to determine the role of this variant in disease. Therefore, it has been classified as a Variant of Uncertain Significance.

Literature cited by the submitters: PubMed 17576681; PubMed 9536098.